The following is an entry in ClinVar:

ClinVar aggregate classification (germline): Uncertain significance (1 of 4 stars; one submission).

Conditions:
Exostoses, multiple, type 2 (EXT2). Also called: Hereditary Multiple Osteochondromatosis, Type II; EXOSTOSES, MULTIPLE, TYPE II. Identifiers: Orphanet 321, MedGen C1851413, MONDO:0007586, OMIM 133701.

Allele frequency attached by ClinVar (database versions not stated): gnomAD exomes 0.00001; ExAC 0.00002; gnomAD 0.00002; TOPMed 0.00002.
gnomAD v4.1: 19 of 1,614,004 alleles (0.0012%); highest among the groups gnomAD compares: Non-Finnish European, 0.00017%; no homozygotes.

Submission:

Labcorp Genetics (formerly Invitae), Labcorp
Classification: Uncertain significance for Exostoses, multiple, type 2. Last evaluated: 2025-08-10. Review status: criteria provided, single submitter. Criteria: Invitae Variant Classification Sherloc (09022015). Collection method: clinical testing. Allele origin: germline.
Comment: This sequence change replaces phenylalanine, which is neutral and non-polar, with tyrosine, which is neutral and polar, at codon 253 of the EXT2 protein (p.Phe253Tyr). This variant is present in population databases (rs747151790, gnomAD 0.06%). This variant has not been reported in the literature in individuals affected with EXT2-related conditions. ClinVar contains an entry for this variant (Variation ID: 2177280). Invitae Evidence Modeling of protein sequence and biophysical properties (such as structural, functional, and spatial information, amino acid conservation, physicochemical variation, residue mobility, and thermodynamic stability) has been performed for this missense variant. However, the output from this modeling did not meet the statistical confidence thresholds required to predict the impact of this variant on EXT2 protein function. In summary, the available evidence is currently insufficient to determine the role of this variant in disease. Therefore, it has been classified as a Variant of Uncertain Significance.

NM_207122.2(EXT2):c.758T>A (p.Phe253Tyr)

Gene: EXT2 (exostosin glycosyltransferase 2; plus strand). Cytogenetic location: 11p11.2.
Variant type: single nucleotide variant.
Coding change: c.758T>A on transcript NM_207122.2 (MANE Select); coding-DNA position 758, T replaced by A.
Protein change: p.Phe253Tyr; replaces phenylalanine 253 with tyrosine.
Molecular consequence: missense variant.
Genome position (GRCh38, 1-based): chr11:44,124,803, T>A. VCF-style: chr11-44124803-T-A. GRCh37 (hg19) VCF-style: chr11-44146353-T-A.
Other names: c.857T>A, p.Phe286Tyr (NM_000401.3); c.758T>A, p.Phe253Tyr (NM_001178083.3, NM_001389628.1, NM_001389630.1); short protein forms F253Y, F286Y.
Identifiers: ClinVar variation 2177280 (VCV002177280.4), dbSNP rs747151790, ClinGen allele CA5955004.